The following is an entry in ClinVar:

ClinVar aggregate classification (germline): Uncertain significance (0 of 4 stars; one submission).

Conditions:
PLXNA3-related disorder. Also called: PLXNA3-related condition.

Allele frequency attached by ClinVar (database versions not stated): ExAC 0.00001; TOPMed 0.00002; gnomAD 0.00004; 1000 Genomes Project 30x 0.00021; 1000 Genomes Project 0.00026.
gnomAD v4.1: 12 of 1,207,990 alleles (0.00099%); highest among the groups gnomAD compares: African/African-American, 0.0069%; no homozygotes.

Submission:

PreventionGenetics, part of Exact Sciences
Classification: Uncertain significance for PLXNA3-related condition. Last evaluated: 2024-01-19. Review status: no assertion criteria provided. Collection method: clinical testing. Allele origin: germline.
Comment: The PLXNA3 c.4777C>T variant is predicted to result in the amino acid substitution p.Arg1593Cys. To our knowledge, this variant has not been reported in the literature. This variant is reported in 0.0052% of alleles in individuals of African descent in gnomAD. At this time, the clinical significance of this variant is uncertain due to the absence of conclusive functional and genetic evidence.

NM_017514.5(PLXNA3):c.4777C>T (p.Arg1593Cys)

Gene: PLXNA3 (plexin A3; plus strand). Cytogenetic location: Xq28.
Variant type: single nucleotide variant.
Coding change: c.4777C>T on transcript NM_017514.5 (MANE Select); coding-DNA position 4777, C replaced by T.
Protein change: p.Arg1593Cys; replaces arginine 1593 with cysteine.
Molecular consequence: missense variant.
Genome position (GRCh38, 1-based): chrX:154,469,766, C>T. VCF-style: chrX-154469766-C-T. GRCh37 (hg19) VCF-style: chrX-153698109-C-T.
Other names: short protein forms R1593C.
Identifiers: ClinVar variation 3031551 (VCV003031551.2), dbSNP rs192776944, ClinGen allele CA10564955.
Genomic context (GRCh38, chrX:154,469,766, plus strand): 5'-GTGGCATTGGTGCCCAAACAAGTGTCTGCCTATAACATGGCCAACTCCTTCACCTTCACC[C>T]GCTCCCTCAGCCGCTACGGTAGGTGTCCTCAGTGTGGTGGCCATGTGCCCTTCGAGGGAA-3'
Protein context (NP_059984.3, residues 1583-1603): YNMANSFTFT[Arg1593Cys]SLSRYESLLR